The following is an entry in ClinVar:

NM_006073.4(TRDN):c.737A>G (p.Lys246Arg)

Gene: TRDN (triadin; minus strand). Cytogenetic location: 6q22.31.
Variant type: single nucleotide variant.
Coding change: c.737A>G on transcript NM_006073.4 (MANE Select); coding-DNA position 737, A replaced by G.
Protein change: p.Lys246Arg; replaces lysine 246 with arginine.
Molecular consequence: missense variant.
Genome position (GRCh38, 1-based): chr6:123,503,775, T>C on the plus strand (A>G on the coding strand, the complement: TRDN is on the minus strand). VCF-style: chr6-123503775-T-C. GRCh37 (hg19) VCF-style: chr6-123824920-T-C.
Other names: c.737A>G, p.Lys246Arg (NM_001251987.2, NM_001256020.2, NM_001256021.2 and 1 more transcripts); short protein forms K246R.
Identifiers: ClinVar variation 3460996 (VCV003460996.1).

ClinVar aggregate classification (germline): Uncertain significance (1 of 4 stars; one submission).

Conditions:
Cardiovascular phenotype. Identifiers: MedGen CN230736.

Submission:

Ambry Genetics
Classification: Uncertain significance for Cardiovascular phenotype. Last evaluated: 2024-07-29. Review status: criteria provided, single submitter. Criteria: Ambry Variant Classification Scheme 2023. Collection method: clinical testing. Allele origin: germline.
Comment: The p.K246R variant (also known as c.737A>G), located in coding exon 8 of the TRDN gene, results from an A to G substitution at nucleotide position 737. The lysine at codon 246 is replaced by arginine, an amino acid with highly similar properties. This amino acid position is conserved. In addition, this alteration is predicted to be tolerated by in silico analysis. Based on the available evidence, the clinical significance of this variant remains unclear.